The following is an entry in ClinVar:

NM_002485.5(NBN):c.1496C>G (p.Ser499Ter)

Gene: NBN (nibrin; minus strand). Cytogenetic location: 8q21.3.
Variant type: single nucleotide variant.
Coding change: c.1496C>G on transcript NM_002485.5 (MANE Select); coding-DNA position 1496, C replaced by G.
Protein change: p.Ser499Ter; replaces serine 499 with a stop codon.
Molecular consequence: nonsense.
Genome position (GRCh38, 1-based): chr8:89,953,593, G>C on the plus strand (C>G on the coding strand, the complement: NBN is on the minus strand). VCF-style: chr8-89953593-G-C. GRCh37 (hg19) VCF-style: chr8-90965821-G-C.
Other names: c.1250C>G, p.Ser417Ter (NM_001024688.3); short protein forms S417*, S499*.
Identifiers: ClinVar variation 852729 (VCV000852729.14), dbSNP rs772411713, ClinGen allele CA371655738.

ClinVar aggregate classification (germline): Pathogenic/Likely pathogenic. Review status: criteria provided, multiple submitters, no conflicts (2 of 4 stars). 5 submissions from 5 submitters: Pathogenic (3); Likely pathogenic (2). Last evaluated 2024-12-12.

Conditions:
Aplastic anemia. Identifiers: Orphanet 182040, Orphanet 88, MedGen C0002874, MONDO:0015909, OMIM 609135, HP:0001915.
Microcephaly, normal intelligence and immunodeficiency (NBS). Also called: BERLIN BREAKAGE SYNDROME; Immunodeficiency, microcephaly with normal intelligence; IMMUNODEFICIENCY, MICROCEPHALY, AND CHROMOSOMAL INSTABILITY; SEEMANOVA SYNDROME II; Ataxia telangiectasia variant V1; Nijmegen breakage syndrome. Identifiers: Orphanet 647, MedGen C0398791, MONDO:0009623, OMIM 251260.
Hereditary cancer-predisposing syndrome. Also called: Neoplastic Syndromes, Hereditary; Tumor predisposition; Hereditary Cancer Syndrome; Hereditary neoplastic syndrome. Identifiers: Orphanet 140162, MedGen C0027672, MeSH D009386, MONDO:0015356.

gnomAD v4.1: 1 of 1,613,516 alleles (0.000062%); no homozygotes.

Submissions (5):

Natera, Inc.
Classification: Likely pathogenic for Nijmegen breakage syndrome. Last evaluated: 2024-12-12. Review status: criteria provided, single submitter. Criteria: Natera Variant Classification Schema (03/2026). Collection method: clinical testing. Allele origin: germline.
Comment: The c.1496C>G variant in NBN is a nonsense variant predicted to introduce a stop codon at amino acid 499. This variant is expected to result in nonsense mediated decay, truncation, or a dysfunctional protein product. This variant is rare in the general population with a frequency below the threshold expected for the associated phenotype(s). Given the available evidence, this variant is classified as Likely Pathogenic.

Myriad Genetics, Inc.
Classification: Pathogenic for Microcephaly, normal intelligence and immunodeficiency. Last evaluated: 2024-06-27. Review status: criteria provided, single submitter. Criteria: Myriad Autosomal Dominant, Autosomal Recessive and X-Linked Classification Criteria (2023). Collection method: clinical testing. Allele origin: unknown.
Comment: NM_002485.4(NBN):c.1496C>G(S499*) is expected to be pathogenic in the context of Nijmegen breakage syndrome. This variant is predicted to lead to an abnormal or absent protein product due to the creation of a premature termination codon in NBN, a gene where loss-of-function variants are known to be pathogenic. Please note: this variant was assessed in the context of healthy population screening.

Labcorp Genetics (formerly Invitae), Labcorp
Classification: Pathogenic for Microcephaly, normal intelligence and immunodeficiency. Last evaluated: 2024-06-10. Review status: criteria provided, single submitter. Criteria: Invitae Variant Classification Sherloc (09022015). Collection method: clinical testing. Allele origin: germline.
Comment: This sequence change creates a premature translational stop signal (p.Ser499*) in the NBN gene. It is expected to result in an absent or disrupted protein product. Loss-of-function variants in NBN are known to be pathogenic (PMID: 9590180, 16415040). This variant is not present in population databases (gnomAD no frequency). This variant has not been reported in the literature in individuals affected with NBN-related conditions. ClinVar contains an entry for this variant (Variation ID: 852729). For these reasons, this variant has been classified as Pathogenic.

Baylor Genetics
Classification: Likely pathogenic for Aplastic anemia. Last evaluated: 2024-03-30. Review status: criteria provided, single submitter. Criteria: ACMG Guidelines, 2015. Collection method: clinical testing. Allele origin: unknown.

Ambry Genetics
Classification: Pathogenic for Hereditary cancer-predisposing syndrome. Last evaluated: 2024-01-17. Review status: criteria provided, single submitter. Criteria: Ambry Variant Classification Scheme 2023. Collection method: clinical testing. Allele origin: germline.
Comment: The p.S499* pathogenic mutation (also known as c.1496C>G), located in coding exon 11 of the NBN gene, results from a C to G substitution at nucleotide position 1496. This changes the amino acid from a serine to a stop codon within coding exon 11. This alteration is expected to result in loss of function by premature protein truncation or nonsense-mediated mRNA decay. As such, this alteration is interpreted as a disease-causing mutation.

Literature cited by the submitters: PubMed 9590180 (cited by Labcorp Genetics (formerly Invitae), Labcorp); PubMed 16415040 (cited by Labcorp Genetics (formerly Invitae), Labcorp).